The following is an entry in ClinVar:

NM_025000.4(DCAF17):c.183_184del (p.Tyr61_Glu62delinsTer)

Gene: DCAF17 (DDB1 and CUL4 associated factor 17; plus strand). Cytogenetic location: 2q31.1.
Variant type: Deletion.
Coding change: c.183_184del on transcript NM_025000.4 (MANE Select); coding-DNA positions 183 to 184, 2 bases deleted (TG; older notation c.183_184delTG).
Protein change: p.Tyr61_Glu62delinsTer.
Molecular consequence: nonsense. On other transcripts: non-coding transcript variant (1).
Genome position (GRCh38, 1-based): chr2:171,435,139-171,435,140, TG deleted. VCF-style (leftmost placement, unchanged base first): chr2-171435138-ATG-A. GRCh37 (hg19) VCF-style: chr2-172291648-ATG-A.
Other names: c.183_184del, p.Tyr61_Glu62delinsTer (NM_001164821.2).
Identifiers: ClinVar variation 4886535 (VCV004886535.2).

ClinVar aggregate classification (germline): Likely pathogenic (1 of 4 stars; one submission).

Submission:

Dasa
Classification: Likely pathogenic. Last evaluated: 2026-04-23. Review status: criteria provided, single submitter. Criteria: DASA Assertion Criteria. Collection method: clinical testing. Allele origin: germline.
Comment: NM_025000.4(DCAF17):c.183_184del (p.Tyr61*) is a nonsense variant in DCAF17 predicted to introduce a premature termination codon and is predicted to result in an absent or altered protein product. Loss of function is an established disease mechanism for DCAF17-associated disorders. Also, this variant is rare in population databases. Based on the currently available evidence, this variant is classified as likely pathogenic.